The following is an entry in ClinVar:

ClinVar aggregate classification (germline): Uncertain significance (1 of 4 stars; one submission).

Conditions:
Spastic paraplegia. Identifiers: MedGen C0037772, HP:0001258.

Submission:

Labcorp Genetics (formerly Invitae), Labcorp
Classification: Uncertain significance for Spastic paraplegia. Last evaluated: 2022-06-29. Review status: criteria provided, single submitter. Criteria: Invitae Variant Classification Sherloc (09022015). Collection method: clinical testing. Allele origin: germline.
Comment: This sequence change replaces leucine, which is neutral and non-polar, with phenylalanine, which is neutral and non-polar, at codon 1124 of the SACS protein (p.Leu1124Phe). This variant is not present in population databases (gnomAD no frequency). This variant has not been reported in the literature in individuals affected with SACS-related conditions. Advanced modeling of protein sequence and biophysical properties (such as structural, functional, and spatial information, amino acid conservation, physicochemical variation, residue mobility, and thermodynamic stability) performed at Invitae indicates that this missense variant is not expected to disrupt SACS protein function. In summary, the available evidence is currently insufficient to determine the role of this variant in disease. Therefore, it has been classified as a Variant of Uncertain Significance.

NM_014363.6(SACS):c.3370C>T (p.Leu1124Phe)

Gene: SACS (sacsin molecular chaperone; minus strand). Cytogenetic location: 13q12.12.
Variant type: single nucleotide variant.
Coding change: c.3370C>T on transcript NM_014363.6 (MANE Select); coding-DNA position 3370, C replaced by T.
Protein change: p.Leu1124Phe; replaces leucine 1124 with phenylalanine.
Molecular consequence: missense variant.
Genome position (GRCh38, 1-based): chr13:23,340,506, G>A on the plus strand (C>T on the coding strand, the complement: SACS is on the minus strand). VCF-style: chr13-23340506-G-A. GRCh37 (hg19) VCF-style: chr13-23914645-G-A.
Other names: c.2929C>T, p.Leu977Phe (NM_001278055.2); short protein forms L977F, L1124F.
Identifiers: ClinVar variation 1910166 (VCV001910166.2), dbSNP rs2137636093, ClinGen allele CA387535616.